The following is an entry in ClinVar:

NM_012330.4(KAT6B):c.3485A>G (p.Asn1162Ser)

Gene: KAT6B (lysine acetyltransferase 6B; plus strand). Cytogenetic location: 10q22.2.
Variant type: single nucleotide variant.
Coding change: c.3485A>G on transcript NM_012330.4 (MANE Select); coding-DNA position 3485, A replaced by G.
Protein change: p.Asn1162Ser; replaces asparagine 1162 with serine.
Molecular consequence: missense variant.
Genome position (GRCh38, 1-based): chr10:75,025,070, A>G. VCF-style: chr10-75025070-A-G. GRCh37 (hg19) VCF-style: chr10-76784828-A-G.
Other names: c.2936A>G, p.Asn979Ser (NM_001256468.2, NM_001370138.1); c.2609A>G, p.Asn870Ser (NM_001256469.2, NM_001370139.1, NM_001370140.1 and 2 more transcripts); c.2447A>G, p.Asn816Ser (NM_001370132.1); c.1796A>G, p.Asn599Ser (NM_001370133.1); c.1400A>G, p.Asn467Ser (NM_001370134.1); c.1142A>G, p.Asn381Ser (NM_001370135.1); c.3485A>G, p.Asn1162Ser (NM_001370136.1, NM_001370137.1); c.2420A>G, p.Asn807Ser (NM_001370143.1, NM_001370144.1); short protein forms N816S, N870S, N1162S, N599S, N807S, N467S, N979S, N381S.
Identifiers: ClinVar variation 3597772 (VCV003597772.2).

ClinVar aggregate classification (germline): Uncertain significance. Review status: criteria provided, multiple submitters, no conflicts (2 of 4 stars). 2 submissions from 2 submitters: Uncertain significance (2). Last evaluated 2025-08-08.

Conditions:
Genitopatellar syndrome (GTPTS). Also called: ABSENT PATELLAE, SCROTAL HYPOPLASIA, RENAL ANOMALIES, FACIAL DYSMORPHISM, AND MENTAL RETARDATION; Genitopatellar syndrome (GPS). Identifiers: Orphanet 85201, MedGen C1853566, MONDO:0011640, OMIM 606170.
Blepharophimosis - intellectual disability syndrome, SBBYS type (SBBYSS). Also called: Ohdo syndrome, SBBYS variant; SBBYSS syndrome; Say-Barber-Biesecker-Young-Simpson syndrome; Say-Barber-Biesecker-Young-Simpson variant of Ohdo Syndrome; Say-Barber-Biesecker Variant of Ohdo Syndrome; Say-Barber-Biesecker variant of Ohdo syndrome (SBBYSS). Identifiers: Orphanet 3047, MedGen C1863557, MONDO:0011365, OMIM 603736.

gnomAD v4.1: 3 of 1,614,080 alleles (0.00019%); highest among the groups gnomAD compares: African/African-American, 0.0013%; no homozygotes.

Submissions (2):

Labcorp Genetics (formerly Invitae), Labcorp
Classification: Uncertain significance for Genitopatellar syndrome. Last evaluated: 2025-08-08. Review status: criteria provided, single submitter. Criteria: Invitae Variant Classification Sherloc (09022015). Collection method: clinical testing. Allele origin: germline.
Comment: This sequence change replaces asparagine, which is neutral and polar, with serine, which is neutral and polar, at codon 1162 of the KAT6B protein (p.Asn1162Ser). This variant is present in population databases (no rsID available, gnomAD 0.01%). This variant has not been reported in the literature in individuals affected with KAT6B-related conditions. ClinVar contains an entry for this variant (Variation ID: 3597772). Invitae Evidence Modeling of protein sequence and biophysical properties (such as structural, functional, and spatial information, amino acid conservation, physicochemical variation, residue mobility, and thermodynamic stability) has been performed for this missense variant. However, the output from this modeling did not meet the statistical confidence thresholds required to predict the impact of this variant on KAT6B protein function. In summary, the available evidence is currently insufficient to determine the role of this variant in disease. Therefore, it has been classified as a Variant of Uncertain Significance.

Fulgent Genetics
Classification: Uncertain significance for Blepharophimosis - intellectual disability syndrome, SBBYS type; Genitopatellar syndrome. Last evaluated: 2024-02-13. Review status: criteria provided, single submitter. Criteria: ACMG Guidelines, 2015. Collection method: clinical testing. Allele origin: germline.